The following is an entry in ClinVar:

NM_020778.5(ALPK3):c.881C>T (p.Thr294Ile)

Gene: ALPK3 (alpha kinase 3; plus strand). Cytogenetic location: 15q25.3.
Variant type: single nucleotide variant.
Coding change: c.881C>T on transcript NM_020778.5 (MANE Select); coding-DNA position 881, C replaced by T.
Protein change: p.Thr294Ile; replaces threonine 294 with isoleucine.
Molecular consequence: missense variant.
Genome position (GRCh38, 1-based): chr15:84,840,160, C>T. VCF-style: chr15-84840160-C-T. GRCh37 (hg19) VCF-style: chr15-85383391-C-T.
Other names: short protein forms T294I.
Identifiers: ClinVar variation 2077715 (VCV002077715.4), dbSNP rs866406820, ClinGen allele CA273665654.

ClinVar aggregate classification (germline): Uncertain significance (1 of 4 stars; one submission).

Allele frequency attached by ClinVar (database versions not stated): gnomAD 0.00002; TOPMed 0.00001.
gnomAD v4.1: 3 of 1,613,632 alleles (0.00019%); highest among the groups gnomAD compares: African/African-American, 0.004%; no homozygotes.

Submission:

Labcorp Genetics (formerly Invitae), Labcorp
Classification: Uncertain significance. Last evaluated: 2024-09-27. Review status: criteria provided, single submitter. Criteria: Invitae Variant Classification Sherloc (09022015). Collection method: clinical testing. Allele origin: germline.
Comment: This sequence change replaces threonine, which is neutral and polar, with isoleucine, which is neutral and non-polar, at codon 496 of the ALPK3 protein (p.Thr496Ile). This variant is present in population databases (no rsID available, gnomAD 0.01%). This variant has not been reported in the literature in individuals affected with ALPK3-related conditions. ClinVar contains an entry for this variant (Variation ID: 2077715). An algorithm developed to predict the effect of missense changes on protein structure and function (PolyPhen-2) suggests that this variant is likely to be disruptive. In summary, the available evidence is currently insufficient to determine the role of this variant in disease. Therefore, it has been classified as a Variant of Uncertain Significance.